The following is an entry in ClinVar:

ClinVar aggregate classification (germline): Uncertain significance (0 of 4 stars; one submission).

Conditions:
Developmental and epileptic encephalopathy, 11 (DEE11). Also called: Early infantile epileptic encephalopathy 11. Identifiers: Orphanet 1934, MedGen C3150987, MONDO:0013388, OMIM 613721.

Submission:

Institute of Human Genetics, University of Goettingen
Classification: Uncertain significance for Developmental and epileptic encephalopathy, 11. Last evaluated: 2023-02-14. Review status: no assertion criteria provided. Collection method: clinical testing. Allele origin: unknown. Inheritance: Autosomal dominant inheritance. Affected: yes. Observed: 1 heterozygote.
Comment: PP3, PM2, PP2

NM_001040142.2(SCN2A):c.5120T>C (p.Leu1707Pro)

Gene: SCN2A (sodium voltage-gated channel alpha subunit 2; plus strand). Cytogenetic location: 2q24.3.
Variant type: single nucleotide variant.
Coding change: c.5120T>C on transcript NM_001040142.2 (MANE Select); coding-DNA position 5120, T replaced by C.
Protein change: p.Leu1707Pro; replaces leucine 1707 with proline.
Molecular consequence: missense variant.
Genome position (GRCh38, 1-based): chr2:165,388,926, T>C. VCF-style: chr2-165388926-T-C. GRCh37 (hg19) VCF-style: chr2-166245436-T-C.
Other names: c.5120T>C, p.Leu1707Pro (NM_001040143.2, NM_001371246.1, NM_001371247.1 and 1 more transcripts); short protein forms L1707P.
Identifiers: ClinVar variation 2442790 (VCV002442790.2), dbSNP rs2468158309, ClinGen allele CA349038250.
Genomic context (GRCh38, chr2:165,388,926, plus strand): 5'-GGGAAGTTGGGATCGATGACATGTTCAACTTTGAGACCTTTGGCAACAGCATGATCTGCC[T>C]GTTCCAAATTACAACCTCTGCTGGCTGGGATGGATTGCTAGCACCTATTCTTAATAGTGG-3'
Protein context (NP_001035232.1, residues 1697-1717): FETFGNSMIC[Leu1707Pro]FQITTSAGWD